The following is an entry in ClinVar:

NC_000012.12:g.(?_121843690)_(121847234_?)del

Genes: HPD (4-hydroxyphenylpyruvate dioxygenase; minus strand), TIALD (transcript inducer of AURKA lysosomal degradation; plus strand). Cytogenetic location: 12q24.31.
Variant type: Deletion.
Identifiers: ClinVar variation 529472 (VCV000529472.8).

ClinVar aggregate classification (germline): Pathogenic (1 of 4 stars; one submission).

Conditions:
Hawkinsinuria. Identifiers: Orphanet 2118, MedGen C2931042, MONDO:0007700, OMIM 140350, HP:0034457.
Tyrosinemia type III. Also called: Tyrosinemia type 3; 4-alpha hydroxyphenylpyruvic acid oxidase deficiency; 4-alpha hydroxyphenylpyruvate dioxygenase deficiency; 4-Hydroxyphenylpyruvate dioxygenase deficiency; 4-HYDROXYPHENYLPYRUVIC ACID OXIDASE DEFICIENCY. Identifiers: Orphanet 69723, MedGen C0268623, MONDO:0010162, OMIM 276710.

Submission:

Labcorp Genetics (formerly Invitae), Labcorp
Classification: Pathogenic for Tyrosinemia type III; Hawkinsinuria. Last evaluated: 2023-05-26. Review status: criteria provided, single submitter. Criteria: Invitae Variant Classification Sherloc (09022015). Collection method: clinical testing. Allele origin: germline.
Comment: For these reasons, this variant has been classified as Pathogenic. This variant has not been reported in the literature in individuals affected with HPD-related conditions. This variant is a gross deletion of the genomic region encompassing exon(s) 10-12 of the HPD gene. This deletion is out-of-frame, and is expected to create a premature termination codon and result in an absent or disrupted protein product. Loss-of-function variants in HPD are known to be pathogenic (PMID: 10942115, 23036342).

Literature cited by the submitters: PubMed 10942115; PubMed 23036342.